The following is an entry in ClinVar:

NM_018475.5(TMEM165):c.652A>G (p.Thr218Ala)

Gene: TMEM165 (transmembrane protein 165; plus strand). Cytogenetic location: 4q12.
Variant type: single nucleotide variant.
Coding change: c.652A>G on transcript NM_018475.5 (MANE Select); coding-DNA position 652, A replaced by G.
Protein change: p.Thr218Ala; replaces threonine 218 with alanine.
Molecular consequence: missense variant. On other transcripts: non-coding transcript variant (1).
Genome position (GRCh38, 1-based): chr4:55,417,845, A>G. VCF-style: chr4-55417845-A-G. GRCh37 (hg19) VCF-style: chr4-56284012-A-G.
Other names: short protein forms T218A.
Identifiers: ClinVar variation 1463474 (VCV001463474.8), dbSNP rs1721802537, ClinGen allele CA356902983.

ClinVar aggregate classification (germline): Uncertain significance (1 of 4 stars; one submission).

Conditions:
TMEM165-congenital disorder of glycosylation. Also called: TMEM165-CDG; CDG IIk; Congenital disorder of glycosylation type 2k. Identifiers: Orphanet 314667, MedGen C3553571, MONDO:0013870, OMIM 614727.

Allele frequency attached by ClinVar (database versions not stated): gnomAD 0.00001.
gnomAD v4.1: 1 of 1,612,664 alleles (0.000062%); highest among the groups gnomAD compares: Admixed American, 0.0017%; no homozygotes.

Submission:

Labcorp Genetics (formerly Invitae), Labcorp
Classification: Uncertain significance for TMEM165-congenital disorder of glycosylation. Last evaluated: 2021-06-07. Review status: criteria provided, single submitter. Criteria: Invitae Variant Classification Sherloc (09022015). Collection method: clinical testing. Allele origin: germline.
Comment: This sequence change replaces threonine with alanine at codon 218 of the TMEM165 protein (p.Thr218Ala). The threonine residue is moderately conserved and there is a small physicochemical difference between threonine and alanine. This variant is not present in population databases (ExAC no frequency). This variant has not been reported in the literature in individuals with TMEM165-related conditions. Algorithms developed to predict the effect of missense changes on protein structure and function output the following: SIFT: "Tolerated"; PolyPhen-2: "Benign"; Align-GVGD: "Class C0". The alanine amino acid residue is found in multiple mammalian species, suggesting that this missense change does not adversely affect protein function. These predictions have not been confirmed by published functional studies and their clinical significance is uncertain. In summary, the available evidence is currently insufficient to determine the role of this variant in disease. Therefore, it has been classified as a Variant of Uncertain Significance.